The following is an entry in ClinVar:

NM_002470.4(MYH3):c.1216A>T (p.Lys406Ter)

Gene: MYH3 (myosin heavy chain 3; minus strand). Cytogenetic location: 17p13.1.
Variant type: single nucleotide variant.
Coding change: c.1216A>T on transcript NM_002470.4 (MANE Select); coding-DNA position 1216, A replaced by T.
Protein change: p.Lys406Ter; replaces lysine 406 with a stop codon.
Molecular consequence: nonsense.
Genome position (GRCh38, 1-based): chr17:10,644,628, T>A on the plus strand (A>T on the coding strand, the complement: MYH3 is on the minus strand). VCF-style: chr17-10644628-T-A. GRCh37 (hg19) VCF-style: chr17-10547945-T-A.
Other names: short protein forms K406*.
Identifiers: ClinVar variation 2082234 (VCV002082234.4), dbSNP rs2508621465, ClinGen allele CA398175531.

ClinVar aggregate classification (germline): Pathogenic (1 of 4 stars; one submission).

Submission:

Labcorp Genetics (formerly Invitae), Labcorp
Classification: Pathogenic. Last evaluated: 2025-11-10. Review status: criteria provided, single submitter. Criteria: Invitae Variant Classification Sherloc (09022015). Collection method: clinical testing. Allele origin: germline.
Comment: This sequence change creates a premature translational stop signal (p.Lys406*) in the MYH3 gene. It is expected to result in an absent or disrupted protein product. Loss-of-function variants in MYH3 are known to be pathogenic (PMID: 29805041, 30008475). This variant is not present in population databases (gnomAD no frequency). This variant has not been reported in the literature in individuals affected with MYH3-related conditions. ClinVar contains an entry for this variant (Variation ID: 2082234). Algorithms developed to predict the effect of sequence changes on RNA splicing suggest that this variant may disrupt the consensus splice site. For these reasons, this variant has been classified as Pathogenic.

Literature cited by the submitters: PubMed 29805041; PubMed 30008475.